The following is an entry in ClinVar:

ClinVar aggregate classification (germline): Uncertain significance (1 of 4 stars; one submission).

Allele frequency attached by ClinVar (database versions not stated): gnomAD 0.00001; gnomAD exomes 0.00001; TOPMed 0.00001.

Submission:

Labcorp Genetics (formerly Invitae), Labcorp
Classification: Uncertain significance. Last evaluated: 2022-08-23. Review status: criteria provided, single submitter. Criteria: Invitae Variant Classification Sherloc (09022015). Collection method: clinical testing. Allele origin: germline.
Comment: This variant is present in population databases (no rsID available, gnomAD 0.0009%). This variant has not been reported in the literature in individuals affected with CD2AP-related conditions. ClinVar contains an entry for this variant (Variation ID: 1413333). Algorithms developed to predict the effect of missense changes on protein structure and function (SIFT, PolyPhen-2, Align-GVGD) all suggest that this variant is likely to be tolerated. In summary, the available evidence is currently insufficient to determine the role of this variant in disease. Therefore, it has been classified as a Variant of Uncertain Significance. This sequence change replaces lysine, which is basic and polar, with arginine, which is basic and polar, at codon 351 of the CD2AP protein (p.Lys351Arg).

NM_012120.3(CD2AP):c.1052A>G (p.Lys351Arg)

Gene: CD2AP (CD2 associated protein; plus strand). Cytogenetic location: 6p12.3.
Variant type: single nucleotide variant.
Coding change: c.1052A>G on transcript NM_012120.3 (MANE Select); coding-DNA position 1052, A replaced by G.
Protein change: p.Lys351Arg; replaces lysine 351 with arginine.
Molecular consequence: missense variant.
Genome position (GRCh38, 1-based): chr6:47,582,009, A>G. VCF-style: chr6-47582009-A-G. GRCh37 (hg19) VCF-style: chr6-47549745-A-G.
Other names: short protein forms K351R.
Identifiers: ClinVar variation 1413333 (VCV001413333.8), dbSNP rs1335565298, ClinGen allele CA363944946.
Genomic context (GRCh38, chr6:47,582,009, plus strand): 5'-TCTCTGTGCTTTAAAACTGTCTTCTTAAAAAAGTATTAATGTTTTTTCCCATAGCTCCAA[A>G]GCCTGAACTGATAGCTGCAGAGAAGAAATATTTTTCTTTAAAGCCTGAAGAAAAGGGTGA-3'
Protein context (NP_036252.1, residues 341-361): PPPPAKAPAP[Lys351Arg]PELIAAEKKY